The following is an entry in ClinVar:

ClinVar aggregate classification (germline): Uncertain significance (1 of 4 stars; one submission).

Submission:

Labcorp Genetics (formerly Invitae), Labcorp
Classification: Uncertain significance. Last evaluated: 2025-02-04. Review status: criteria provided, single submitter. Criteria: Invitae Variant Classification Sherloc (09022015). Collection method: clinical testing. Allele origin: germline.
Comment: This sequence change replaces arginine, which is basic and polar, with tryptophan, which is neutral and slightly polar, at codon 594 of the MYH7B protein (p.Arg594Trp). This variant is present in population databases (rs569317507, gnomAD 0.1%), and has an allele count higher than expected for a pathogenic variant. This variant has not been reported in the literature in individuals affected with MYH7B-related conditions. Invitae Evidence Modeling of protein sequence and biophysical properties (such as structural, functional, and spatial information, amino acid conservation, physicochemical variation, residue mobility, and thermodynamic stability) indicates that this missense variant is expected to disrupt MYH7B protein function with a positive predictive value of 80%. In summary, the available evidence is currently insufficient to determine the role of this variant in disease. Therefore, it has been classified as a Variant of Uncertain Significance.

NM_020884.7(MYH7B):c.1654C>T (p.Arg552Trp)

Gene: MYH7B (myosin heavy chain 7B; plus strand). Cytogenetic location: 20q11.22.
Variant type: single nucleotide variant.
Coding change: c.1654C>T on transcript NM_020884.7 (MANE Select); coding-DNA position 1654, C replaced by T.
Protein change: p.Arg552Trp; replaces arginine 552 with tryptophan.
Molecular consequence: missense variant.
Genome position (GRCh38, 1-based): chr20:34,989,806, C>T. VCF-style: chr20-34989806-C-T. GRCh37 (hg19) VCF-style: chr20-33577609-C-T.
Other names: short protein forms R552W.
Identifiers: ClinVar variation 4751506 (VCV004751506.1).